The following is an entry in ClinVar:

NM_005902.4(SMAD3):c.178G>A (p.Val60Ile)

Gene: SMAD3 (SMAD family member 3; plus strand). Cytogenetic location: 15q22.33.
Variant type: single nucleotide variant.
Coding change: c.178G>A on transcript NM_005902.4 (MANE Select); coding-DNA position 178, G replaced by A.
Protein change: p.Val60Ile; replaces valine 60 with isoleucine.
Molecular consequence: missense variant.
Genome position (GRCh38, 1-based): chr15:67,066,332, G>A. VCF-style: chr15-67066332-G-A. GRCh37 (hg19) VCF-style: chr15-67358670-G-A.
Other names: c.178G>A, p.Val60Ile (NM_001407011.1, NM_001407012.1, NM_001407013.1); short protein forms V60I.
Identifiers: ClinVar variation 3320633 (VCV003320633.3).
Genomic context (GRCh38, chr15:67,066,332, plus strand): 5'-AAGAAACTCAAGAAGACGGGGCAGCTGGACGAGCTGGAGAAGGCCATCACCACGCAGAAC[G>A]TCAACACCAAGTGCATCACCATCCCCAGGTGGGGGCCCGCCCGGGGGGGACCCGGGGTCA-3'
Protein context (NP_005893.1, residues 50-70): ELEKAITTQN[Val60Ile]NTKCITIPRS

ClinVar aggregate classification (germline): Conflicting classifications of pathogenicity. Review status: criteria provided, conflicting classifications (1 of 4 stars). 2 submissions from 2 submitters: Uncertain significance (1); Likely benign (1). Last evaluated 2024-08-28.

Conditions:
Familial thoracic aortic aneurysm and aortic dissection (TAAD). Also called: Thoracic aortic aneurysms and dissections. Identifiers: Orphanet 91387, MedGen C4707243, MONDO:0019625.

gnomAD v4.1: 3 of 1,613,374 alleles (0.00019%); highest among the groups gnomAD compares: South Asian, 0.0022%; no homozygotes.

Submissions (2):

Ambry Genetics
Classification: Likely benign for Familial thoracic aortic aneurysm and aortic dissection. Last evaluated: 2024-08-28. Review status: criteria provided, single submitter. Criteria: Ambry Variant Classification Scheme 2023. Collection method: clinical testing. Allele origin: germline.

Color Diagnostics, LLC DBA Color Health
Classification: Uncertain significance for Familial thoracic aortic aneurysm and aortic dissection. Last evaluated: 2024-04-29. Review status: criteria provided, single submitter. Criteria: ACMG Guidelines, 2015. Collection method: clinical testing. Allele origin: germline.
Comment: This missense variant replaces valine with isoleucine at codon 60 of the SMAD3 protein. Computational prediction tools indicate that this variant has a neutral impact on protein structure and function. To our knowledge, functional studies have not been reported for this variant. This variant has not been reported in individuals affected with SMAD3-related disorders in the literature. This variant has not been identified in the general population by the Genome Aggregation Database (gnomAD). The available evidence is insufficient to determine the role of this variant in disease conclusively. Therefore, this variant is classified as a Variant of Uncertain Significance.